The following is an entry in ClinVar:

NM_021831.6(AGBL5):c.2355+4A>G

Gene: AGBL5 (AGBL carboxypeptidase 5; plus strand). Cytogenetic location: 2p23.3.
Variant type: single nucleotide variant.
Coding change: c.2355+4A>G on transcript NM_021831.6 (MANE Select); 4 bases into the intron after coding-DNA position 2355, A replaced by G.
Molecular consequence: intron variant.
Genome position (GRCh38, 1-based): chr2:27,068,748, A>G. VCF-style: chr2-27068748-A-G. GRCh37 (hg19) VCF-style: chr2-27291616-A-G.
Identifiers: ClinVar variation 1016331 (VCV001016331.7), dbSNP rs773323972, ClinGen allele CA1568195.

ClinVar aggregate classification (germline): Uncertain significance. Review status: criteria provided, multiple submitters, no conflicts (2 of 4 stars). 2 submissions from 2 submitters: Uncertain significance (2). Last evaluated 2021-10-25.

Allele frequency attached by ClinVar (database versions not stated): gnomAD 0.00002 and 0.00003; gnomAD exomes 0.00002; ExAC 0.00003; TOPMed 0.00003.
gnomAD v4.1: 31 of 1,613,872 alleles (0.0019%); highest among the groups gnomAD compares: African/African-American, 0.0067%; no homozygotes.

Submissions (2):

Labcorp Genetics (formerly Invitae), Labcorp
Classification: Uncertain significance. Last evaluated: 2021-10-25. Review status: criteria provided, single submitter. Criteria: Invitae Variant Classification Sherloc (09022015). Collection method: clinical testing. Allele origin: germline.
Comment: Nucleotide substitutions within the consensus splice site are a relatively common cause of aberrant splicing (PMID: 17576681, 9536098). Algorithms developed to predict the effect of sequence changes on RNA splicing suggest that this variant may disrupt the consensus splice site, but this prediction has not been confirmed by published transcriptional studies. In summary, the available evidence is currently insufficient to determine the role of this variant in disease. Therefore, it has been classified as a Variant of Uncertain Significance. This sequence change falls in intron 13 of the AGBL5 gene. It does not directly change the encoded amino acid sequence of the AGBL5 protein, but it affects a nucleotide within the consensus splice site of the intron. This variant is present in population databases (rs773323972, ExAC 0.009%). This variant has not been reported in the literature in individuals with AGBL5-related conditions.

Blueprint Genetics
Classification: Uncertain significance. Last evaluated: 2021-05-04. Review status: criteria provided, single submitter. Criteria: ACMG Guidelines, 2015. Collection method: clinical testing. Allele origin: germline.

Literature cited by the submitters: PubMed 17576681 (cited by Labcorp Genetics (formerly Invitae), Labcorp); PubMed 9536098 (cited by Labcorp Genetics (formerly Invitae), Labcorp).